The following is an entry in ClinVar:

ClinVar aggregate classification (germline): Uncertain significance (1 of 4 stars; one submission).

Submission:

Labcorp Genetics (formerly Invitae), Labcorp
Classification: Uncertain significance. Last evaluated: 2023-04-01. Review status: criteria provided, single submitter. Criteria: Invitae Variant Classification Sherloc (09022015). Collection method: clinical testing. Allele origin: germline.
Comment: This variant has not been reported in the literature in individuals affected with EYS-related conditions. This sequence change replaces glutamic acid, which is acidic and polar, with lysine, which is basic and polar, at codon 1953 of the EYS protein (p.Glu1953Lys). This variant is not present in population databases (gnomAD no frequency). Advanced modeling of protein sequence and biophysical properties (such as structural, functional, and spatial information, amino acid conservation, physicochemical variation, residue mobility, and thermodynamic stability) has been performed at Invitae for this missense variant, however the output from this modeling did not meet the statistical confidence thresholds required to predict the impact of this variant on EYS protein function. In summary, the available evidence is currently insufficient to determine the role of this variant in disease. Therefore, it has been classified as a Variant of Uncertain Significance.

NM_001142800.2(EYS):c.5857G>A (p.Glu1953Lys)

Gene: EYS (EGF-like photoreceptor maintenance factor; minus strand). Cytogenetic location: 6q12.
Variant type: single nucleotide variant.
Coding change: c.5857G>A on transcript NM_001142800.2 (MANE Select); coding-DNA position 5857, G replaced by A.
Protein change: p.Glu1953Lys; replaces glutamic acid 1953 with lysine.
Molecular consequence: missense variant.
Genome position (GRCh38, 1-based): chr6:64,436,244, C>T on the plus strand (G>A on the coding strand, the complement: EYS is on the minus strand). VCF-style: chr6-64436244-C-T. GRCh37 (hg19) VCF-style: chr6-65146137-C-T.
Other names: c.5857G>A, p.Glu1953Lys (NM_001292009.2); short protein forms E1953K.
Identifiers: ClinVar variation 2986247 (VCV002986247.3), dbSNP rs137853189, ClinGen allele CA364392428.